The following is an entry in ClinVar:

NM_003738.5(PTCH2):c.1524del (p.Asn508fs)

Gene: PTCH2 (patched 2; minus strand). Cytogenetic location: 1p34.1.
Variant type: Deletion.
Coding change: c.1524del on transcript NM_003738.5 (MANE Select); coding-DNA position 1524, one base deleted (C; older notation c.1524delC).
Protein change: p.Asn508fs; shifts the reading frame from asparagine 508.
Molecular consequence: frameshift variant.
Genome position (GRCh38, 1-based): chr1:44,828,572, G deleted on the plus strand (C on the coding strand, the reverse complement: PTCH2 is on the minus strand). VCF-style (leftmost placement, unchanged base first): chr1-44828571-TG-T. GRCh37 (hg19) VCF-style: chr1-45294243-TG-T.
Other names: c.1524del, p.Asn508fs (NM_001166292.2); short protein forms N508fs.
Identifiers: ClinVar variation 2724788 (VCV002724788.4), dbSNP rs1653274378, ClinGen allele CA2473511100.

ClinVar aggregate classification (germline): Uncertain significance. Review status: criteria provided, multiple submitters, no conflicts (2 of 4 stars). 2 submissions from 2 submitters: Uncertain significance (2). Last evaluated 2024-06-18.

Conditions:
Medulloblastoma (MDB). Also called: MEDULLOBLASTOMA PREDISPOSITION SYNDROME; Medulloblastoma, somatic. Identifiers: Orphanet 616, MedGen C0025149, MeSH D008527, MONDO:0007959, OMIM 155255, HP:0002885.
Basal cell carcinoma, susceptibility to, 1. Also called: BCC1. Identifiers: MedGen C2751544, MONDO:0011556, OMIM 605462.
Gorlin syndrome. Also called: Nevoid Basal Cell Carcinoma Syndrome; Basal cell nevus syndrome. Identifiers: Orphanet 377, MedGen C0004779, MONDO:0007187.

Submissions (2):

Fulgent Genetics
Classification: Uncertain significance for Medulloblastoma; Basal cell carcinoma, susceptibility to, 1. Last evaluated: 2024-06-18. Review status: criteria provided, single submitter. Criteria: ACMG Guidelines, 2015. Collection method: clinical testing. Allele origin: germline.

Labcorp Genetics (formerly Invitae), Labcorp
Classification: Uncertain significance for Gorlin syndrome. Last evaluated: 2023-11-29. Review status: criteria provided, single submitter. Criteria: Invitae Variant Classification Sherloc (09022015). Collection method: clinical testing. Allele origin: germline.
Comment: This sequence change creates a premature translational stop signal (p.Asn508Lysfs*26) in the PTCH2 gene. It is expected to result in an absent or disrupted protein product. However, the current clinical and genetic evidence is not sufficient to establish whether loss-of-function variants in PTCH2 cause disease. This variant is not present in population databases (gnomAD no frequency). This variant has not been reported in the literature in individuals affected with PTCH2-related conditions. In summary, the available evidence is currently insufficient to determine the role of this variant in disease. Therefore, it has been classified as a Variant of Uncertain Significance.